The following is an entry in ClinVar:

NM_000260.4(MYO7A):c.4755C>T (p.Ser1585=)

Gene: MYO7A (myosin VIIA; plus strand). Cytogenetic location: 11q13.5.
Variant type: single nucleotide variant.
Coding change: c.4755C>T on transcript NM_000260.4 (MANE Select); coding-DNA position 4755, C replaced by T.
Protein change: p.Ser1585=; no amino-acid change (serine 1585 retained).
Molecular consequence: synonymous variant.
Genome position (GRCh38, 1-based): chr11:77,199,721, C>T. VCF-style: chr11-77199721-C-T. GRCh37 (hg19) VCF-style: chr11-76910766-C-T.
Other names: p.Ser1585=; c.4641C>T, p.Ser1547= (NM_001127180.2); c.4608C>T, p.Ser1536= (NM_001369365.1).
Identifiers: ClinVar variation 43257 (VCV000043257.30), dbSNP rs7927472, ClinGen allele CA132351.
Genomic context (GRCh38, chr11:77,199,721, plus strand): 5'-GACGGCCCCCAGCTTCACGCTGGCCACCATCAAGGGGGACGAATACACCTTCACCTCCAG[C>T]AATGCTGAGGACATTCGTGACCTGGTGGTCACCTTCCTAGAGGGGCTCCGGAAGAGATCT-3'
Protein context (NP_000251.3, residues 1575-1595): IKGDEYTFTS[Ser1585=]NAEDIRDLVV

ClinVar aggregate classification (germline): Benign/Likely benign. Review status: criteria provided, multiple submitters, no conflicts (2 of 4 stars). 16 submissions from 12 submitters: Benign (14); Likely benign (1). 1 of the submissions does not count toward it. Last evaluated 2026-02-04.

Conditions:
Usher syndrome type 1 (USH1). Also called: RETINITIS PIGMENTOSA AND CONGENITAL DEAFNESS. Identifiers: Orphanet 231169, Orphanet 886, MedGen C1568247, MONDO:0010168, OMIM 276900.
Autosomal dominant nonsyndromic hearing loss 11. Identifiers: Orphanet 90635, MedGen C1832475, MONDO:0011032, OMIM 601317.
Autosomal recessive nonsyndromic hearing loss 2. Also called: DEAFNESS, AUTOSOMAL RECESSIVE 2; NEUROSENSORY NONSYNDROMIC RECESSIVE DEAFNESS 2. Identifiers: Orphanet 90636, MedGen C1838701, MONDO:0010807, OMIM 600060.
Usher syndrome type 1B (USH1B). Also called: Usher syndrome type IB. Identifiers: MedGen C1848638, MONDO:0700087.

Allele frequency attached by ClinVar (database versions not stated): 1000 Genomes Project 30x 0.43082; 1000 Genomes Project 0.43251; ESP Exome Variant Server 0.45732; TOPMed 0.47011; gnomAD 0.47421 and 0.47702; ExAC 0.50829; gnomAD exomes 0.51381 and 0.52551.
gnomAD v4.1: 837,808 of 1,612,982 alleles (52%); highest among the groups gnomAD compares: Admixed American, 62%; 222,158 homozygotes.

Submissions (16):

Labcorp Genetics (formerly Invitae), Labcorp
Classification: Benign. Last evaluated: 2026-02-04. Review status: criteria provided, single submitter. Criteria: Invitae Variant Classification Sherloc (09022015). Collection method: clinical testing. Allele origin: germline.

Women's Health and Genetics/Laboratory Corporation of America, LabCorp
Classification: Benign. Last evaluated: 2025-05-22. Review status: criteria provided, single submitter. Criteria: LabCorp Variant Classification Summary - May 2015. Collection method: clinical testing. Allele origin: germline.

Blueprint Genetics
Classification: Likely benign. Last evaluated: 2024-11-27. Review status: criteria provided, single submitter. Criteria: ACMG Guidelines, 2015. Collection method: clinical testing. Allele origin: germline.

Genome-Nilou Lab
Classification: Benign for Usher syndrome type 1. Last evaluated: 2021-07-01. Review status: criteria provided, single submitter. Criteria: ACMG Guidelines, 2015. Collection method: clinical testing. Allele origin: germline. Affected: no.

Genome-Nilou Lab
Classification: Benign for Autosomal dominant nonsyndromic hearing loss 11. Last evaluated: 2021-07-01. Review status: criteria provided, single submitter. Criteria: ACMG Guidelines, 2015. Collection method: clinical testing. Allele origin: germline. Affected: no.

Genome-Nilou Lab
Classification: Benign for Autosomal recessive nonsyndromic hearing loss 2. Last evaluated: 2021-07-01. Review status: criteria provided, single submitter. Criteria: ACMG Guidelines, 2015. Collection method: clinical testing. Allele origin: germline. Affected: no.

Mayo Clinic Laboratories, Mayo Clinic
Classification: Benign. Last evaluated: 2020-08-27. Review status: criteria provided, single submitter. Criteria: ACMG Guidelines, 2015. Collection method: clinical testing. Allele origin: germline. Observed: 124 variant alleles.

Illumina Laboratory Services, Illumina
Classification: Benign for Autosomal recessive nonsyndromic hearing loss 2. Last evaluated: 2018-01-12. Review status: criteria provided, single submitter. Criteria: ICSL Variant Classification Criteria 13 December 2019. Collection method: clinical testing. Allele origin: germline.
Comment: This variant was observed in the ICSL laboratory as part of a predisposition screen in an ostensibly healthy population. It had not been previously curated by ICSL or reported in the Human Gene Mutation Database (HGMD: prior to June 1st, 2018), and was therefore a candidate for classification through an automated scoring system. Utilizing variant allele frequency, disease prevalence and penetrance estimates, and inheritance mode, an automated score was calculated to assess if this variant is too frequent to cause the disease. Based on the score and internal cut-off values, a variant classified as benign is not then subjected to further curation. The score for this variant resulted in a classification of benign for this disease.

Illumina Laboratory Services, Illumina
Classification: Benign for Autosomal dominant nonsyndromic hearing loss 11. Last evaluated: 2018-01-12. Review status: criteria provided, single submitter. Criteria: ICSL Variant Classification Criteria 13 December 2019. Collection method: clinical testing. Allele origin: germline.
Comment: the same text as in the submission from Illumina Laboratory Services, Illumina above.

Illumina Laboratory Services, Illumina
Classification: Benign for Usher syndrome type 1. Last evaluated: 2018-01-12. Review status: criteria provided, single submitter. Criteria: ICSL Variant Classification Criteria 13 December 2019. Collection method: clinical testing. Allele origin: germline.
Comment: the same text as in the submission from Illumina Laboratory Services, Illumina above.

GeneDx
Classification: Benign. Last evaluated: 2015-03-03. Review status: criteria provided, single submitter. Criteria: GeneDx Variant Classification Process June 2021. Collection method: clinical testing. Allele origin: germline. Affected: yes.

Eurofins Ntd Llc (ga)
Classification: Benign. Last evaluated: 2014-07-11. Review status: criteria provided, single submitter. Criteria: EGL Classification Definitions 2015. Collection method: clinical testing. Allele origin: germline. Observed: 7 variant alleles, 5 heterozygotes, 2 homozygotes.

Laboratory for Molecular Medicine, Mass General Brigham Personalized Medicine
Classification: Benign. Last evaluated: 2007-03-08. Review status: criteria provided, single submitter. Criteria: LMM Criteria. Collection method: clinical testing. Allele origin: germline. Observed: 1,657 variant alleles.

Breakthrough Genomics
Classification: Benign. Review status: criteria provided, single submitter. Criteria: ACMG Guidelines, 2015. Collection method: not provided. Allele origin: germline. Inheritance: Autosomal recessive inheritance. Affected: yes.

PreventionGenetics, part of Exact Sciences
Classification: Benign. Review status: criteria provided, single submitter. Criteria: ACMG Guidelines, 2015. Collection method: clinical testing. Allele origin: germline.

Natera, Inc.
Classification: Benign for Usher syndrome type 1B. Last evaluated: 2020-09-16. Review status: no assertion criteria provided. Collection method: clinical testing. Allele origin: germline. Not counted in ClinVar's aggregate classification.